The following is an entry in ClinVar:

NM_000051.4(ATM):c.6710_6711del (p.Lys2237fs)

Genes: ATM (ATM serine/threonine kinase; plus strand), C11orf65 (chromosome 11 open reading frame 65; minus strand). Cytogenetic location: 11q22.3.
Variant type: Deletion.
Coding change: c.6710_6711del on transcript NM_000051.4 (MANE Select); coding-DNA positions 6710 to 6711, 2 bases deleted (AG; older notation c.6710_6711delAG).
Protein change: p.Lys2237fs; shifts the reading frame from lysine 2237.
Molecular consequence: frameshift variant. On other transcripts: intron variant (2).
Genome position (GRCh38, 1-based): chr11:108,325,447-108,325,448, AG deleted. VCF-style (leftmost placement, unchanged base first): chr11-108325446-AAG-A. GRCh37 (hg19) VCF-style: chr11-108196173-AAG-A.
Other names: c.641-16377_641-16376del (NM_001330368.2); c.*38+9772_*38+9773del (NM_001351110.2); c.6710_6711del, p.Lys2237fs (NM_001351834.2); short protein forms K2237fs.
Identifiers: ClinVar variation 826569 (VCV000826569.10), dbSNP rs1591129337, ClinGen allele CA915947668.

ClinVar aggregate classification (germline): Pathogenic/Likely pathogenic. Review status: criteria provided, multiple submitters, no conflicts (2 of 4 stars). 4 submissions from 4 submitters: Pathogenic (3); Likely pathogenic (1). Last evaluated 2024-04-14.

Conditions:
Hereditary cancer-predisposing syndrome. Also called: Tumor predisposition; Neoplastic Syndromes, Hereditary; Hereditary Cancer Syndrome; Hereditary neoplastic syndrome. Identifiers: Orphanet 140162, MedGen C0027672, MeSH D009386, MONDO:0015356.
Familial cancer of breast. Also called: Hereditary breast cancer; BREAST CANCER, FAMILIAL; hereditary breast carcinoma. Identifiers: Orphanet 227535, MedGen C0346153, MONDO:0016419, OMIM 114480. Disease mechanism: loss of function.
Ataxia-telangiectasia syndrome (AT). Also called: ATAXIA-TELANGIECTASIA, COMPLEMENTATION GROUP A; ATAXIA-TELANGIECTASIA, FRESNO VARIANT; Ataxia-telangiectasia; Ataxia-telangiectasia, complementation group D; AT, COMPLEMENTATION GROUP C; Ataxia-telangiectasia, complementation group E. Identifiers: Orphanet 100, MedGen C0004135, MONDO:0008840, OMIM 208900.

Submissions (4):

Labcorp Genetics (formerly Invitae), Labcorp
Classification: Pathogenic for Ataxia-telangiectasia syndrome. Last evaluated: 2024-04-14. Review status: criteria provided, single submitter. Criteria: Invitae Variant Classification Sherloc (09022015). Collection method: clinical testing. Allele origin: germline.
Comment: This sequence change creates a premature translational stop signal (p.Lys2237Argfs*11) in the ATM gene. It is expected to result in an absent or disrupted protein product. Loss-of-function variants in ATM are known to be pathogenic (PMID: 23807571, 25614872). This variant is not present in population databases (gnomAD no frequency). This variant has not been reported in the literature in individuals affected with ATM-related conditions. ClinVar contains an entry for this variant (Variation ID: 826569). For these reasons, this variant has been classified as Pathogenic.

Myriad Genetics, Inc.
Classification: Pathogenic for Familial cancer of breast. Last evaluated: 2024-01-30. Review status: criteria provided, single submitter. Criteria: Myriad Autosomal Dominant, Autosomal Recessive and X-Linked Classification Criteria (2023). Collection method: clinical testing. Allele origin: unknown.
Comment: This variant is considered pathogenic. This variant creates a frameshift predicted to result in premature protein truncation.

Women's Health and Genetics/Laboratory Corporation of America, LabCorp
Classification: Likely pathogenic for Ataxia-telangiectasia syndrome. Last evaluated: 2022-06-23. Review status: criteria provided, single submitter. Criteria: LabCorp Variant Classification Summary - May 2015. Collection method: clinical testing. Allele origin: germline.
Comment: Variant summary: ATM c.6710_6711delAG (p.Lys2237ArgfsX11) results in a premature termination codon, predicted to cause a truncation of the encoded protein or absence of the protein due to nonsense mediated decay, which are commonly known mechanisms for disease. Truncations downstream of this position have been classified as pathogenic by our laboratory. The variant was absent in 251094 control chromosomes. To our knowledge no occurrence of c.6710_6711delAG in individuals affected with Ataxia-Telangiectasia has been reported in the literature. However, a similar frameshift variant beginning at the same location, c.6710delA (p.Lys2237Argfs*20), was found in trans with a pathogenic variant in a family with Ataxia-Telangiectasia (Laake_2000). No experimental evidence examining the effect of c.6710_6711delAG on protein function has been reported. One clinical diagnostic laboratory has submitted clinical-significance assessments for this variant to ClinVar after 2014 and classified the variant as pathogenic. Based on the evidence outlined above, the variant was classified as likely pathogenic.

Ambry Genetics
Classification: Pathogenic for Hereditary cancer-predisposing syndrome. Last evaluated: 2018-01-24. Review status: criteria provided, single submitter. Criteria: Ambry Variant Classification Scheme 2023. Collection method: clinical testing. Allele origin: germline.
Comment: The c.6710_6711delAG pathogenic mutation, located in coding exon 45 of the ATM gene, results from a deletion of two nucleotides at positions 6710 to 6711, causing a translational frameshift with a predicted alternate stop codon (p.K2237Rfs*11). This alteration is expected to result in loss of function by premature protein truncation or nonsense-mediated mRNA decay. As such, this alteration is interpreted as a disease-causing mutation.

Literature cited by the submitters: PubMed 23807571 (cited by Labcorp Genetics (formerly Invitae), Labcorp); PubMed 25614872 (cited by Labcorp Genetics (formerly Invitae), Labcorp).